The following is an entry in ClinVar:

ClinVar aggregate classification (germline): Likely pathogenic (1 of 4 stars; one submission).

Conditions:
Neurodevelopmental disorder and structural brain anomalies with or without seizures and spasticity. Identifiers: MedGen C5394423, MONDO:0030046, OMIM 618890.

Submission:

Laboratorio de Genetica e Diagnostico Molecular, Hospital Israelita Albert Einstein
Classification: Likely pathogenic for Neurodevelopmental disorder and structural brain anomalies with or without seizures and spasticity. Last evaluated: 2024-08-05. Review status: criteria provided, single submitter. Criteria: ACMG Guidelines, 2015. Collection method: clinical testing. Allele origin: germline. Affected: yes.
Comment: ACMG classification criteria: PVS1 very strong, PM2 supporting

NM_015466.4(PTPN23):c.2689_2696del (p.Pro897fs)

Gene: PTPN23 (protein tyrosine phosphatase non-receptor type 23; plus strand). Cytogenetic location: 3p21.31.
Variant type: Deletion.
Coding change: c.2689_2696del on transcript NM_015466.4 (MANE Select); coding-DNA positions 2689 to 2696, 8 bases deleted (CCACGGCC; older notation c.2689_2696delCCACGGCC).
Protein change: p.Pro897fs; shifts the reading frame from proline 897.
Molecular consequence: frameshift variant.
Genome position (GRCh38, 1-based): chr3:47,410,487-47,410,494, CCACGGCC deleted; deleting any 8 consecutive bases within chr3:47,410,484-47,410,494 gives the same sequence; the c. name uses the placement nearest the transcript's 3' end. VCF-style (leftmost placement, unchanged base first): chr3-47410483-AGCCCCACG-A. GRCh37 (hg19) VCF-style: chr3-47451973-AGCCCCACG-A.
Other names: c.2311_2318del, p.Pro771fs (NM_001304482.2); short protein forms P771fs, P897fs.
Identifiers: ClinVar variation 4076283 (VCV004076283.1).
Genomic context (GRCh38, chr3:47,410,483, plus strand): 5'-GGCGGTTCGGCCAGCCACCACCACAGTAGATAGCATCCAGGCGCCCATCCCCAGCCACAC[AGCCCCACG>A]GCCAAACCCCACCCCTGCTCCTCCCCCGCCCTGCTTCCCTGTGCCCCCACCGCAGCCACT-3'